The following is an entry in ClinVar:

ClinVar aggregate classification (germline): Likely benign (1 of 4 stars; one submission).

Conditions:
Cortical dysplasia-focal epilepsy syndrome (PTHSL1). Also called: Pitt-Hopkins-like syndrome 1. Identifiers: Orphanet 163681, Orphanet 221150, MedGen C2750246, MONDO:0012400, OMIM 610042.

Allele frequency attached by ClinVar (database versions not stated): 1000 Genomes Project 0.00260; 1000 Genomes Project 30x 0.00265; gnomAD 0.00279 and 0.00288; TOPMed 0.00326.

Submission:

Illumina Laboratory Services, Illumina
Classification: Likely benign for Cortical dysplasia-focal epilepsy syndrome. Last evaluated: 2018-01-13. Review status: criteria provided, single submitter. Criteria: ICSL Variant Classification Criteria 13 December 2019. Collection method: clinical testing. Allele origin: germline.
Comment: This variant was observed in the ICSL laboratory as part of a predisposition screen in an ostensibly healthy population. It had not been previously curated by ICSL or reported in the Human Gene Mutation Database (HGMD: prior to June 1st, 2018), and was therefore a candidate for classification through an automated scoring system. Utilizing variant allele frequency, disease prevalence and penetrance estimates, and inheritance mode, an automated score was calculated to assess if this variant is too frequent to cause the disease. Based on the score and internal cut-off values, a variant classified as likely benign is not then subjected to further curation. The score for this variant resulted in a classification of likely benign for this disease.

NM_014141.6(CNTNAP2):c.*4071G>A

Gene: CNTNAP2 (contactin associated protein 2; plus strand). Cytogenetic location: 7q36.1.
Variant type: single nucleotide variant.
Coding change: c.*4071G>A on transcript NM_014141.6 (MANE Select); 4071 bases downstream of the stop codon, G replaced by A.
Molecular consequence: 3 prime UTR variant.
Genome position (GRCh38, 1-based): chr7:148,419,687, G>A. VCF-style: chr7-148419687-G-A. GRCh37 (hg19) VCF-style: chr7-148116779-G-A.
Identifiers: ClinVar variation 359263 (VCV000359263.6), dbSNP rs147886818, ClinGen allele CA10625467.